The following is an entry in ClinVar:

NM_022124.6(CDH23):c.67+12C>T

Gene: CDH23 (cadherin related 23; plus strand). Cytogenetic location: 10q22.1.
Variant type: single nucleotide variant.
Coding change: c.67+12C>T on transcript NM_022124.6 (MANE Select); 12 bases into the intron after coding-DNA position 67, C replaced by T.
Molecular consequence: intron variant.
Genome position (GRCh38, 1-based): chr10:71,439,910, C>T. VCF-style: chr10-71439910-C-T. GRCh37 (hg19) VCF-style: chr10-73199667-C-T.
Other names: c.67+12C>T (NM_001171930.2, NM_001171931.2, NM_052836.4 and 1 more transcripts).
Identifiers: ClinVar variation 46017 (VCV000046017.18), dbSNP rs74144963, ClinGen allele CA137547.

ClinVar aggregate classification (germline): Benign. Review status: criteria provided, multiple submitters, no conflicts (2 of 4 stars). 7 submissions from 6 submitters: Benign (7). Last evaluated 2026-02-04.

Conditions:
Autosomal recessive nonsyndromic hearing loss 12. Also called: DEAFNESS, AUTOSOMAL RECESSIVE 12. Identifiers: Orphanet 90636, MedGen C1832394, MONDO:0011067, OMIM 601386.
Usher syndrome type 1D (USH1D). Also called: USHER SYNDROME, TYPE ID. Identifiers: Orphanet 231169, Orphanet 886, MedGen C1832845, MONDO:0010984, OMIM 601067.

Allele frequency attached by ClinVar (database versions not stated): gnomAD exomes 0.00458 and 0.01148; ExAC 0.02648; gnomAD 0.04851 and 0.05182; 1000 Genomes Project 30x 0.05996; ESP Exome Variant Server 0.04913; TOPMed 0.05376; 1000 Genomes Project 0.05950.
gnomAD v4.1: 14,162 of 1,564,202 alleles (0.91%); highest among the groups gnomAD compares: African/African-American, 17%; 1,112 homozygotes.

Submissions (7):

Labcorp Genetics (formerly Invitae), Labcorp
Classification: Benign. Last evaluated: 2026-02-04. Review status: criteria provided, single submitter. Criteria: Invitae Variant Classification Sherloc (09022015). Collection method: clinical testing. Allele origin: germline.

Women's Health and Genetics/Laboratory Corporation of America, LabCorp
Classification: Benign. Last evaluated: 2025-11-14. Review status: criteria provided, single submitter. Criteria: LabCorp Variant Classification Summary - May 2015. Collection method: clinical testing. Allele origin: germline.

Illumina Laboratory Services, Illumina
Classification: Benign for Usher syndrome type 1D. Last evaluated: 2018-01-12. Review status: criteria provided, single submitter. Criteria: ICSL Variant Classification Criteria 13 December 2019. Collection method: clinical testing. Allele origin: germline.
Comment: This variant was observed in the ICSL laboratory as part of a predisposition screen in an ostensibly healthy population. It had not been previously curated by ICSL or reported in the Human Gene Mutation Database (HGMD: prior to June 1st, 2018), and was therefore a candidate for classification through an automated scoring system. Utilizing variant allele frequency, disease prevalence and penetrance estimates, and inheritance mode, an automated score was calculated to assess if this variant is too frequent to cause the disease. Based on the score and internal cut-off values, a variant classified as benign is not then subjected to further curation. The score for this variant resulted in a classification of benign for this disease.

Illumina Laboratory Services, Illumina
Classification: Benign for Autosomal recessive nonsyndromic hearing loss 12. Last evaluated: 2018-01-12. Review status: criteria provided, single submitter. Criteria: ICSL Variant Classification Criteria 13 December 2019. Collection method: clinical testing. Allele origin: germline.
Comment: the same text as in the submission from Illumina Laboratory Services, Illumina above.

GeneDx
Classification: Benign. Last evaluated: 2013-04-30. Review status: criteria provided, single submitter. Criteria: GeneDx Variant Classification (06012015). Collection method: clinical testing. Allele origin: germline. Affected: yes.
Comment: This variant is considered likely benign or benign based on one or more of the following criteria: it is a conservative change, it occurs at a poorly conserved position in the protein, it is predicted to be benign by multiple in silico algorithms, and/or has population frequency not consistent with disease.

Laboratory for Molecular Medicine, Mass General Brigham Personalized Medicine
Classification: Benign. Last evaluated: 2012-02-20. Review status: criteria provided, single submitter. Criteria: LMM Criteria. Collection method: clinical testing. Allele origin: germline. Observed: 53 variant alleles.
Comment: 67+12C>T in intron 2 of CDH23: This variant is not expected to have clinical sig nificance because it has been identified in 14% (484/3458) of African American c hromosomes from a broad population by the NHLBI Exome Sequencing Project (dbSNP rs74144963)

Breakthrough Genomics
Classification: Benign. Review status: criteria provided, single submitter. Criteria: ACMG Guidelines, 2015. Collection method: not provided. Allele origin: germline. Inheritance: Autosomal recessive inheritance. Affected: yes.